The following is an entry in ClinVar:

ClinVar aggregate classification (germline): Pathogenic (1 of 4 stars; one submission).

Conditions:
Developmental and epileptic encephalopathy, 8 (DEE8). Also called: HYPEREKPLEXIA AND EPILEPSY. Identifiers: Orphanet 163985, Orphanet 2076, MedGen C1845102, MONDO:0010375, OMIM 300607.

Submission:

Labcorp Genetics (formerly Invitae), Labcorp
Classification: Pathogenic for Developmental and epileptic encephalopathy, 8. Last evaluated: 2022-02-08. Review status: criteria provided, single submitter. Criteria: Invitae Variant Classification Sherloc (09022015). Collection method: clinical testing. Allele origin: germline.
Comment: This sequence change creates a premature translational stop signal (p.Tyr468Leufs*26) in the ARHGEF9 gene. While this is not anticipated to result in nonsense mediated decay, it is expected to disrupt the last 49 amino acid(s) of the ARHGEF9 protein. This variant is not present in population databases (gnomAD no frequency). This premature translational stop signal has been observed in individual(s) with clinical features of ARHGEF9-related conditions (Invitae). In at least one individual the variant was observed to be de novo. For these reasons, this variant has been classified as Pathogenic. This variant disrupts a region of the ARHGEF9 protein in which other variant(s) (p.Trp505*) have been observed in individuals with ARHGEF9-related conditions (Invitae). This suggests that this is a clinically significant region of the protein, and that variants that disrupt it are likely to be disease-causing. Experimental studies and prediction algorithms are not available or were not evaluated, and the functional significance of this variant is currently unknown.

NM_001353921.2(ARHGEF9):c.1423dup (p.Tyr475fs)

Gene: ARHGEF9 (Cdc42 guanine nucleotide exchange factor 9; minus strand). Cytogenetic location: Xq11.1.
Variant type: Duplication.
Coding change: c.1423dup on transcript NM_001353921.2 (MANE Select); coding-DNA position 1423, one base duplicated (T; older notation c.1423dupT).
Protein change: p.Tyr475fs; shifts the reading frame from tyrosine 475.
Molecular consequence: frameshift variant. On other transcripts: 3 prime UTR variant (2).
Genome position (GRCh38, 1-based): chrX:63,638,177, A duplicated on the plus strand (T on the coding strand, the reverse complement: ARHGEF9 is on the minus strand). VCF-style (leftmost placement, unchanged base first): chrX-63638176-T-TA. GRCh37 (hg19) VCF-style: chrX-62858056-T-TA.
Other names: c.1243dup, p.Tyr415fs (NM_001173479.2); c.1096dup, p.Tyr366fs (NM_001173480.2, NM_001369042.1); c.1339dup, p.Tyr447fs (NM_001330495.2, NM_001369033.1, NM_001369034.1 and 4 more transcripts); c.1291dup, p.Tyr431fs (NM_001353922.2); c.1441dup, p.Tyr481fs (NM_001353923.1); c.1222dup, p.Tyr408fs (NM_001353924.2, NM_001353926.2, NM_001369039.1 and 1 more transcripts); c.1207dup, p.Tyr403fs (NM_001353927.2, NM_001369041.1); c.1270dup, p.Tyr424fs (NM_001353928.2); and 3 more; short protein forms Y424fs, Y286fs, Y468fs, Y481fs, Y366fs, Y415fs, Y447fs, Y403fs.
Identifiers: ClinVar variation 2086900 (VCV002086900.4), dbSNP rs2519460570, ClinGen allele CA2580101301.